The following is an entry in ClinVar:

NM_001687.5(ATP5F1D):c.141+4C>A

Genes: ATP5F1D (ATP synthase F1 subunit delta; plus strand), LOC130062903 (ATAC-STARR-seq lymphoblastoid silent region 9673; plus strand). Cytogenetic location: 19p13.3.
Variant type: single nucleotide variant.
Coding change: c.141+4C>A on transcript NM_001687.5 (MANE Select); 4 bases into the intron after coding-DNA position 141, C replaced by A.
Molecular consequence: intron variant.
Genome position (GRCh38, 1-based): chr19:1,241,995, C>A. VCF-style: chr19-1241995-C-A. GRCh37 (hg19) VCF-style: chr19-1241994-C-A.
Other names: c.141+4C>A (NM_001001975.2).
Identifiers: ClinVar variation 4755291 (VCV004755291.1).
Genomic context (GRCh38, chr19:1,241,995, plus strand): 5'-CCGGCTGCCGCCTCTGGCCCCAACCAGATGTCCTTCACCTTCGCCTCTCCCACGCAGGTT[C>A]GGGCGCTGCGGGTCGGGACCCTCCGTGGCCGCCGCCCCCGGAGTCCAGGGTCCCCACCCC-3'

ClinVar aggregate classification (germline): Uncertain significance (1 of 4 stars; one submission).

gnomAD v4.1: 2 of 1,436,474 alleles (0.00014%); highest among the groups gnomAD compares: East Asian, 0.0028%; no homozygotes.

Submission:

Labcorp Genetics (formerly Invitae), Labcorp
Classification: Uncertain significance. Last evaluated: 2025-04-10. Review status: criteria provided, single submitter. Criteria: Invitae Variant Classification Sherloc (09022015). Collection method: clinical testing. Allele origin: germline.
Comment: This sequence change falls in intron 1 of the ATP5D gene. It does not directly change the encoded amino acid sequence of the ATP5D protein. It affects a nucleotide within the consensus splice site. This variant is not present in population databases (gnomAD no frequency). This variant has not been reported in the literature in individuals affected with ATP5D-related conditions. Variants that disrupt the consensus splice site are a relatively common cause of aberrant splicing (PMID: 17576681, 9536098). Algorithms developed to predict the effect of sequence changes on RNA splicing suggest that this variant is not likely to affect RNA splicing. In summary, the available evidence is currently insufficient to determine the role of this variant in disease. Therefore, it has been classified as a Variant of Uncertain Significance.

Literature cited by the submitters: PubMed 17576681; PubMed 9536098.